The following is an entry in ClinVar:

NM_000169.3(GLA):c.215T>C (p.Met72Thr)

Genes: GLA (galactosidase alpha; minus strand), RPL36A-HNRNPH2 (RPL36A-HNRNPH2 readthrough; plus strand). Cytogenetic location: Xq22.1.
Variant type: single nucleotide variant.
Coding change: c.215T>C on transcript NM_000169.3 (MANE Select); coding-DNA position 215, T replaced by C.
Protein change: p.Met72Thr; replaces methionine 72 with threonine.
Molecular consequence: missense variant. On other transcripts: non-coding transcript variant (3), intron variant (2).
Genome position (GRCh38, 1-based): chrX:101,403,965, A>G on the plus strand (T>C on the coding strand, the complement: GLA is on the minus strand). VCF-style: chrX-101403965-A-G. GRCh37 (hg19) VCF-style: chrX-100658953-A-G.
Other names: c.338T>C, p.Met113Thr (NM_001406747.1, NM_001406749.1); c.215T>C, p.Met72Thr (NM_001406748.1); c.301-7971A>G (NM_001199973.2); c.178-7971A>G (NM_001199974.2); short protein forms M72T, M113T.
Identifiers: ClinVar variation 2143823 (VCV002143823.5), dbSNP rs1569304920, ClinGen allele CA413934453.

ClinVar aggregate classification (germline): Uncertain significance. Review status: criteria provided, multiple submitters, no conflicts (2 of 4 stars). 2 submissions from 2 submitters: Uncertain significance (2). Last evaluated 2026-09-08.

Conditions:
Fabry disease. Also called: Fabry's disease; GLA DEFICIENCY; HEREDITARY DYSTOPIC LIPIDOSIS; ANDERSON-FABRY DISEASE; CERAMIDE TRIHEXOSIDASE DEFICIENCY; Ceramide trihexosidosis. Identifiers: Orphanet 324, MedGen C0002986, MONDO:0010526, OMIM 301500, HP:0001071. Disease mechanism: loss of function, Fabry disease is due to inactivating mutations in the X-linked GLA gene resulting in deficiency of the enzyme Alpha Galactosidase-A..

Submissions (2):

Genomenon, Inc
Classification: Uncertain significance for Fabry disease. Last evaluated: 2026-09-08. Review status: criteria provided, single submitter. Criteria: Genomenon Sequence Variant Interpretation Standards - Updated. Collection method: curation. Allele origin: germline. Affected: yes.
Comment: GLA p.Met72Thr (c.215T>C) is a missense variant that changes the amino acid at codon 72 from Methionine to Threonine. This variant has been observed in at least one proband with clinical features consistent with Fabry disease (PMID:38586938). Functional or patient cell studies have been reported (PMID:38586938;34906154). It is absent or not present at a significant frequency in gnomAD. In silico models predict that this variant is possibly or probably damaging. In conclusion, we classify GLA p.Met72Thr (c.215T>C) as a variant of uncertain significance.

Labcorp Genetics (formerly Invitae), Labcorp
Classification: Uncertain significance for Fabry disease. Last evaluated: 2024-11-30. Review status: criteria provided, single submitter. Criteria: Invitae Variant Classification Sherloc (09022015). Collection method: clinical testing. Allele origin: germline.
Comment: This sequence change replaces methionine, which is neutral and non-polar, with threonine, which is neutral and polar, at codon 72 of the GLA protein (p.Met72Thr). This variant is not present in population databases (gnomAD no frequency). This variant has not been reported in the literature in individuals affected with GLA-related conditions. ClinVar contains an entry for this variant (Variation ID: 2143823). Invitae Evidence Modeling of protein sequence and biophysical properties (such as structural, functional, and spatial information, amino acid conservation, physicochemical variation, residue mobility, and thermodynamic stability) indicates that this missense variant is not expected to disrupt GLA protein function with a negative predictive value of 80%. This variant disrupts the p.Met72 amino acid residue in GLA. Other variant(s) that disrupt this residue have been observed in individuals with GLA-related conditions (PMID: 9452090, 11145098, 12428061), which suggests that this may be a clinically significant amino acid residue. In summary, the available evidence is currently insufficient to determine the role of this variant in disease. Therefore, it has been classified as a Variant of Uncertain Significance.

Literature cited by the submitters: PubMed 38586938 (cited by Genomenon, Inc); PubMed 34906154 (cited by Genomenon, Inc); PubMed 9452090 (cited by Labcorp Genetics (formerly Invitae), Labcorp); PubMed 11145098 (cited by Labcorp Genetics (formerly Invitae), Labcorp); PubMed 12428061 (cited by Labcorp Genetics (formerly Invitae), Labcorp).